The following is an entry in ClinVar:

ClinVar aggregate classification (germline): Likely pathogenic. Review status: criteria provided, single submitter (1 of 4 stars). 2 submissions from 2 submitters: Likely pathogenic (1). 1 of the submissions does not count toward it. Last evaluated 2024-10-18.

Conditions:
Spongy degeneration of central nervous system. Also called: Canavan disease; AMINOACYLASE 2 DEFICIENCY; ACY2 DEFICIENCY; ASP DEFICIENCY; ASPA DEFICIENCY; ASPARTOACYLASE DEFICIENCY. Identifiers: Orphanet 141, MedGen C0206307, MONDO:0010079, OMIM 271900.

Allele frequency attached by ClinVar (database versions not stated): gnomAD exomes below 0.00001.

Submissions (2):

Natera, Inc.
Classification: Likely pathogenic for Canavan Disease. Last evaluated: 2024-10-18. Review status: criteria provided, single submitter. Criteria: Natera Variant Classification Schema (03/2026). Collection method: clinical testing. Allele origin: germline.
Comment: The c.922delA variant in ASPA is a frameshift variant predicted to elongate the protein beyond the termination codon. This variant is expected to result in nonsense mediated decay, truncation, or a dysfunctional protein product. This variant is rare in the general population with a frequency below the threshold expected for the associated phenotype(s). Given the available evidence, this variant is classified as Likely Pathogenic.

Counsyl
Classification: Likely pathogenic for Spongy degeneration of central nervous system. Last evaluated: 2015-12-30. Review status: no assertion criteria provided. Collection method: clinical testing. Allele origin: unknown. Not counted in ClinVar's aggregate classification.

NM_000049.4(ASPA):c.922del (p.Ile308fs)

Genes: ASPA (aspartoacylase; plus strand), SPATA22 (spermatogenesis associated 22; minus strand). Cytogenetic location: 17p13.2.
Variant type: Deletion.
Coding change: c.922del on transcript NM_000049.4 (MANE Select); coding-DNA position 922, one base deleted (A; older notation c.922delA).
Protein change: p.Ile308fs; shifts the reading frame from isoleucine 308.
Molecular consequence: frameshift variant. On other transcripts: intron variant (2).
Genome position (GRCh38, 1-based): chr17:3,499,068, A deleted. VCF-style (leftmost placement, unchanged base first): chr17-3499067-TA-T. GRCh37 (hg19) VCF-style: chr17-3402361-TA-T.
Other names: c.922del, p.Ile308fs (NM_001128085.1); c.-74+14344del (NM_001321336.2, NM_001321337.2); short protein forms I308fs.
Identifiers: ClinVar variation 370201 (VCV000370201.5), dbSNP rs1057516309, ClinGen allele CA16041831.